The following is an entry in ClinVar:

NM_000260.4(MYO7A):c.879G>A (p.Val293=)

Gene: MYO7A (myosin VIIA; plus strand). Cytogenetic location: 11q13.5.
Variant type: single nucleotide variant.
Coding change: c.879G>A on transcript NM_000260.4 (MANE Select); coding-DNA position 879, G replaced by A.
Protein change: p.Val293=; no amino-acid change (valine 293 retained).
Molecular consequence: synonymous variant.
Genome position (GRCh38, 1-based): chr11:77,158,306, G>A. VCF-style: chr11-77158306-G-A. GRCh37 (hg19) VCF-style: chr11-76869352-G-A.
Other names: c.879G>A, p.Val293= (NM_001127180.2); c.846G>A, p.Val282= (NM_001369365.1).
Identifiers: ClinVar variation 717361 (VCV000717361.16), dbSNP rs185844002, ClinGen allele CA6197294.

ClinVar aggregate classification (germline): Likely benign. Review status: criteria provided, multiple submitters, no conflicts (2 of 4 stars). 4 submissions from 4 submitters: Likely benign (3). 1 of the submissions does not count toward it. Last evaluated 2026-01-16.

Conditions:
MYO7A-related disorder. Also called: MYO7A-related disorders.

Allele frequency attached by ClinVar (database versions not stated): ExAC 0.00013; gnomAD exomes 0.00014; 1000 Genomes Project 30x 0.00016; TOPMed 0.00016; 1000 Genomes Project 0.00020; gnomAD 0.00020.
gnomAD v4.1: 321 of 1,610,076 alleles (0.02%); highest among the groups gnomAD compares: Admixed American, 0.065%; 1 homozygote.

Submissions (4):

Labcorp Genetics (formerly Invitae), Labcorp
Classification: Likely benign. Last evaluated: 2026-01-16. Review status: criteria provided, single submitter. Criteria: Invitae Variant Classification Sherloc (09022015). Collection method: clinical testing. Allele origin: germline.

Blueprint Genetics
Classification: Likely benign. Last evaluated: 2024-11-19. Review status: criteria provided, single submitter. Criteria: ACMG Guidelines, 2015. Collection method: clinical testing. Allele origin: germline.

GeneDx
Classification: Likely benign. Last evaluated: 2021-01-11. Review status: criteria provided, single submitter. Criteria: GeneDx Variant Classification Process June 2021. Collection method: clinical testing. Allele origin: germline. Affected: yes.

PreventionGenetics, part of Exact Sciences
Classification: Likely benign for MYO7A-related condition. Last evaluated: 2019-12-04. Review status: no assertion criteria provided. Collection method: clinical testing. Allele origin: germline. Not counted in ClinVar's aggregate classification.
Comment: This variant is classified as likely benign based on ACMG/AMP sequence variant interpretation guidelines (Richards et al. 2015 PMID: 25741868, with internal and published modifications).